The following is an entry in ClinVar:

NM_000218.3(KCNQ1):c.1393+24722T>C

Genes: KCNQ1 (potassium voltage-gated channel subfamily Q member 1; plus strand), KCNQ1OT1 (KCNQ1 opposite strand/antisense transcript 1; minus strand). Cytogenetic location: 11p15.5.
Variant type: single nucleotide variant.
Coding change: c.1393+24722T>C on transcript NM_000218.3 (MANE Select); 24722 bases into the intron after coding-DNA position 1393, T replaced by C.
Molecular consequence: intron variant.
Genome position (GRCh38, 1-based): chr11:2,613,576, T>C. VCF-style: chr11-2613576-T-C. GRCh37 (hg19) VCF-style: chr11-2634806-T-C.
Other names: c.853+24722T>C (NM_001406838.1); c.1012+24722T>C (NM_181798.2); c.1123+24722T>C (NM_001406837.1); c.1297+24722T>C (NM_001406836.1).
Identifiers: ClinVar variation 1694589 (VCV001694589.31), dbSNP rs541269843, ClinGen allele CA216358367.

ClinVar aggregate classification (germline): Likely benign (1 of 4 stars; one submission).

Allele frequency attached by ClinVar (database versions not stated): 1000 Genomes Project 30x 0.00016; 1000 Genomes Project 0.00020; gnomAD 0.00114 and 0.00188; gnomAD exomes 0.00148; TOPMed 0.00231.
gnomAD v4.1: 626 of 398,600 alleles (0.16%); highest among the groups gnomAD compares: Non-Finnish European, 0.21%; 4 homozygotes.

Submission:

CeGaT Center for Human Genetics Tuebingen
Classification: Likely benign. Last evaluated: 2026-07-01. Review status: criteria provided, single submitter. Criteria: CeGaT Center For Human Genetics Tuebingen Variant Classification Criteria Version 2. Collection method: clinical testing. Allele origin: germline. Affected: yes. Observed: 6 variant alleles.
Comment: KCNQ1OT1: BS1